The following is an entry in ClinVar:

NM_000038.6(APC):c.5172T>G (p.Leu1724=)

Gene: APC (APC regulator of Wnt signaling pathway; plus strand). Cytogenetic location: 5q22.2.
Variant type: single nucleotide variant.
Coding change: c.5172T>G on transcript NM_000038.6 (MANE Select); coding-DNA position 5172, T replaced by G.
Protein change: p.Leu1724=; no amino-acid change (leucine 1724 retained).
Molecular consequence: synonymous variant. On other transcripts: non-coding transcript variant (2).
Genome position (GRCh38, 1-based): chr5:112,840,766, T>G. VCF-style: chr5-112840766-T-G. GRCh37 (hg19) VCF-style: chr5-112176463-T-G.
Other names: c.5088T>G, p.Leu1696= (NM_001354899.2); c.5049T>G, p.Leu1683= (NM_001354900.2); c.4995T>G, p.Leu1665= (NM_001354901.2, NM_001407453.1); c.4899T>G, p.Leu1633= (NM_001354902.2); c.4869T>G, p.Leu1623= (NM_001354903.2, NM_001407458.1, NM_001407459.1 and 1 more transcripts); c.4794T>G, p.Leu1598= (NM_001354904.2); c.4692T>G, p.Leu1564= (NM_001354905.2); c.4323T>G, p.Leu1441= (NM_001354906.2, NM_001407470.1); and 11 more.
Identifiers: ClinVar variation 3254015 (VCV003254015.1), dbSNP rs2149933796.
Genomic context (GRCh38, chr5:112,840,766, plus strand): 5'-AACCTCATCTGTAACCATACCTGAATTGGATGACAATAAAGCAGAGGAAGGTGATATTCT[T>G]GCAGAATGCATTAATTCTGCTATGCCCAAAGGGAAAAGTCACAAGCCTTTCCGTGTGAAA-3'
Protein context (NP_000029.2, residues 1714-1734): DDNKAEEGDI[Leu1724=]AECINSAMPK

ClinVar aggregate classification (germline): Benign (1 of 4 stars; one submission).

Conditions:
Familial adenomatous polyposis 1 (FAP1). Also called: POLYPOSIS, ADENOMATOUS INTESTINAL; FAMILIAL ADENOMATOUS POLYPOSIS 1, ATTENUATED. Identifiers: MedGen C2713442, MONDO:0021056, OMIM 175100. Disease mechanism: loss of function.

Submission:

Myriad Genetics, Inc.
Classification: Benign for Familial adenomatous polyposis 1. Last evaluated: 2024-04-01. Review status: criteria provided, single submitter. Criteria: Myriad Autosomal Dominant, Autosomal Recessive and X-Linked Classification Criteria (2023). Collection method: clinical testing. Allele origin: unknown.
Comment: This variant is considered benign. This variant is a silent/synonymous amino acid change and it is not expected to impact splicing.